The following is an entry in ClinVar:

NM_177550.5(SLC13A5):c.1602A>G (p.Ile534Met)

Gene: SLC13A5 (solute carrier family 13 member 5; minus strand). Cytogenetic location: 17p13.1.
Variant type: single nucleotide variant.
Coding change: c.1602A>G on transcript NM_177550.5 (MANE Select); coding-DNA position 1602, A replaced by G.
Protein change: p.Ile534Met; replaces isoleucine 534 with methionine.
Molecular consequence: missense variant.
Genome position (GRCh38, 1-based): chr17:6,686,312, T>C on the plus strand (A>G on the coding strand, the complement: SLC13A5 is on the minus strand). VCF-style: chr17-6686312-T-C. GRCh37 (hg19) VCF-style: chr17-6589631-T-C.
Other names: c.1464A>G, p.Ile488Met (NM_001143838.3); c.1551A>G, p.Ile517Met (NM_001284509.2); c.1473A>G, p.Ile491Met (NM_001284510.2); short protein forms I488M, I491M, I517M, I534M.
Identifiers: ClinVar variation 2423609 (VCV002423609.9), dbSNP rs1234607889, ClinGen allele CA397737174.
Genomic context (GRCh38, chr17:6,686,312, plus strand): 5'-CAAGTCAAATATGGCCCGTCCCCAGGTGTTGACAGCCAAAAACACACAGAAGACTCCAAT[T>C]ATGTTCATTATGACTCCTGTTTTCACCTGGAAAAGAGACAGAGTCAGCACCCTGAGGCCT-3'
Protein context (NP_808218.1, residues 524-544): DMVKTGVIMN[Ile534Met]IGVFCVFLAV

ClinVar aggregate classification (germline): Uncertain significance. Review status: criteria provided, multiple submitters, no conflicts (2 of 4 stars). 2 submissions from 2 submitters: Uncertain significance (2). Last evaluated 2025-01-13.

Conditions:
Developmental and epileptic encephalopathy, 25 (DEE25). Also called: Developmental and epileptic encephalopathy 25, with amelogenesis imperfecta; Epileptic encephalopathy, early infantile, 25, with amelogenesis imperfecta; Epileptic encephalopathy, early infantile, 25. Identifiers: Orphanet 442835, MedGen C4014621, MONDO:0014392, OMIM 615905.

Allele frequency attached by ClinVar (database versions not stated): gnomAD exomes below 0.00001.
gnomAD v4.1: 3 of 1,614,056 alleles (0.00019%); highest among the groups gnomAD compares: Admixed American, 0.0033%; no homozygotes.

Submissions (2):

Labcorp Genetics (formerly Invitae), Labcorp
Classification: Uncertain significance for Developmental and epileptic encephalopathy, 25. Last evaluated: 2025-01-13. Review status: criteria provided, single submitter. Criteria: Invitae Variant Classification Sherloc (09022015). Collection method: clinical testing. Allele origin: germline.
Comment: This sequence change replaces isoleucine, which is neutral and non-polar, with methionine, which is neutral and non-polar, at codon 534 of the SLC13A5 protein (p.Ile534Met). This variant is present in population databases (no rsID available, gnomAD 0.006%). This variant has not been reported in the literature in individuals affected with SLC13A5-related conditions. ClinVar contains an entry for this variant (Variation ID: 2423609). Invitae Evidence Modeling of protein sequence and biophysical properties (such as structural, functional, and spatial information, amino acid conservation, physicochemical variation, residue mobility, and thermodynamic stability) indicates that this missense variant is not expected to disrupt SLC13A5 protein function with a negative predictive value of 80%. In summary, the available evidence is currently insufficient to determine the role of this variant in disease. Therefore, it has been classified as a Variant of Uncertain Significance.

GeneDx
Classification: Uncertain significance. Last evaluated: 2024-02-03. Review status: criteria provided, single submitter. Criteria: GeneDx Variant Classification Process June 2021. Collection method: clinical testing. Allele origin: germline. Affected: yes.
Comment: Not observed at significant frequency in large population cohorts (gnomAD); In silico analysis supports that this missense variant does not alter protein structure/function; Has not been previously published as pathogenic or benign to our knowledge